The following is an entry in ClinVar:

NM_000548.5(TSC2):c.2371T>C (p.Cys791Arg)

Gene: TSC2 (TSC complex subunit 2; plus strand). Cytogenetic location: 16p13.3.
Variant type: single nucleotide variant.
Coding change: c.2371T>C on transcript NM_000548.5 (MANE Select); coding-DNA position 2371, T replaced by C.
Protein change: p.Cys791Arg; replaces cysteine 791 with arginine.
Molecular consequence: missense variant. On other transcripts: non-coding transcript variant (5).
Genome position (GRCh38, 1-based): chr16:2,074,215, T>C. VCF-style: chr16-2074215-T-C. GRCh37 (hg19) VCF-style: chr16-2124216-T-C.
Other names: c.2371T>C, p.Cys791Arg (NM_001077183.3, NM_001114382.3, NM_001363528.2 and 6 more transcripts); c.2260T>C, p.Cys754Arg (NM_001318827.2, NM_001406670.1, NM_001406678.1); c.2224T>C, p.Cys742Arg (NM_001318829.2, NM_001406675.1, NM_001406676.1 and 1 more transcripts); c.1771T>C, p.Cys591Arg (NM_001318831.2, NM_001406680.1, NM_001406682.1 and 6 more transcripts); c.2404T>C, p.Cys802Arg (NM_001318832.2); c.2461T>C, p.Cys821Arg (NM_001406667.1, NM_001406668.1); c.2359T>C, p.Cys787Arg (NM_001406671.1, NM_001406673.1); c.2314T>C, p.Cys772Arg (NM_001406677.1); and 3 more; short protein forms C257R, C742R, C637R, C802R, C821R, C343R, C591R, C754R.
Identifiers: ClinVar variation 2449992 (VCV002449992.2), dbSNP rs2543812230, ClinGen allele CA394276994.

ClinVar aggregate classification (germline): Uncertain significance (1 of 4 stars; one submission).

Conditions:
Hereditary cancer-predisposing syndrome. Also called: Neoplastic Syndromes, Hereditary; Tumor predisposition; Hereditary neoplastic syndrome; Hereditary Cancer Syndrome. Identifiers: Orphanet 140162, MedGen C0027672, MeSH D009386, MONDO:0015356.

Submission:

Ambry Genetics
Classification: Uncertain significance for Hereditary cancer-predisposing syndrome. Last evaluated: 2023-02-09. Review status: criteria provided, single submitter. Criteria: Ambry Variant Classification Scheme 2023. Collection method: clinical testing. Allele origin: germline.
Comment: The p.C791R variant (also known as c.2371T>C), located in coding exon 21 of the TSC2 gene, results from a T to C substitution at nucleotide position 2371. The cysteine at codon 791 is replaced by arginine, an amino acid with highly dissimilar properties. This amino acid position is conserved. In addition, this alteration is predicted to be deleterious by in silico analysis. Since supporting evidence is limited at this time, the clinical significance of this alteration remains unclear.